The following is an entry in ClinVar:

ClinVar aggregate classification (germline): Uncertain significance (1 of 4 stars; one submission).

Conditions:
Bloom syndrome (BLM). Also called: Bloom-Torre-Machacek syndrome. Identifiers: Orphanet 125, MedGen C0005859, MONDO:0008876, OMIM 210900.

gnomAD v4.1: 1 of 1,613,604 alleles (0.000062%); highest among the groups gnomAD compares: Non-Finnish European, 0.000085%; no homozygotes.

Submission:

Labcorp Genetics (formerly Invitae), Labcorp
Classification: Uncertain significance for Bloom syndrome. Last evaluated: 2025-03-19. Review status: criteria provided, single submitter. Criteria: Invitae Variant Classification Sherloc (09022015). Collection method: clinical testing. Allele origin: germline.
Comment: This sequence change replaces threonine, which is neutral and polar, with asparagine, which is neutral and polar, at codon 162 of the BLM protein (p.Thr162Asn). This variant is not present in population databases (gnomAD no frequency). This variant has not been reported in the literature in individuals affected with BLM-related conditions. An algorithm developed to predict the effect of missense changes on protein structure and function (PolyPhen-2) suggests that this variant is likely to be disruptive. In summary, the available evidence is currently insufficient to determine the role of this variant in disease. Therefore, it has been classified as a Variant of Uncertain Significance.

NM_000057.4(BLM):c.485C>A (p.Thr162Asn)

Gene: BLM (BLM RecQ like helicase; plus strand). Cytogenetic location: 15q26.1.
Variant type: single nucleotide variant.
Coding change: c.485C>A on transcript NM_000057.4 (MANE Select); coding-DNA position 485, C replaced by A.
Protein change: p.Thr162Asn; replaces threonine 162 with asparagine.
Molecular consequence: missense variant. On other transcripts: 5 prime UTR variant (1).
Genome position (GRCh38, 1-based): chr15:90,749,753, C>A. VCF-style: chr15-90749753-C-A. GRCh37 (hg19) VCF-style: chr15-91292983-C-A.
Other names: c.485C>A, p.Thr162Asn (NM_001287246.2, NM_001287247.2); c.-807C>A (NM_001287248.2); short protein forms T162N.
Identifiers: ClinVar variation 4715518 (VCV004715518.1).